The following is an entry in ClinVar:

NM_001903.5(CTNNA1):c.2583G>C (p.Met861Ile)

Gene: CTNNA1 (catenin alpha 1; plus strand). Cytogenetic location: 5q31.2.
Variant type: single nucleotide variant.
Coding change: c.2583G>C on transcript NM_001903.5 (MANE Select); coding-DNA position 2583, G replaced by C.
Protein change: p.Met861Ile; replaces methionine 861 with isoleucine.
Molecular consequence: missense variant. On other transcripts: 3 prime UTR variant (5).
Genome position (GRCh38, 1-based): chr5:138,933,951, G>C. VCF-style: chr5-138933951-G-C. GRCh37 (hg19) VCF-style: chr5-138269640-G-C.
Other names: c.*128G>C (NM_001290307.3, NM_001324002.1, NM_001324003.1 and 2 more transcripts); c.2274G>C, p.Met758Ile (NM_001290309.3); c.2214G>C, p.Met738Ile (NM_001290310.3); c.1473G>C, p.Met491Ile (NM_001290312.1, NM_001323987.1, NM_001323988.1 and 12 more transcripts); c.2583G>C, p.Met861Ile (NM_001323982.2, NM_001323983.1, NM_001323984.2); c.2556G>C, p.Met852Ile (NM_001323985.2); c.2490G>C, p.Met830Ile (NM_001323986.2); c.1338G>C, p.Met446Ile (NM_001324001.1); and 3 more; short protein forms M378I, M491I, M830I, M410I, M738I, M852I, M446I, M460I.
Identifiers: ClinVar variation 1429761 (VCV001429761.8), dbSNP rs2150359425, ClinGen allele CA361135532.

ClinVar aggregate classification (germline): Uncertain significance (1 of 4 stars; one submission).

gnomAD v4.1: 1 of 1,614,182 alleles (0.000062%); highest among the groups gnomAD compares: East Asian, 0.0022%; no homozygotes.

Submission:

Labcorp Genetics (formerly Invitae), Labcorp
Classification: Uncertain significance. Last evaluated: 2021-02-08. Review status: criteria provided, single submitter. Criteria: Invitae Variant Classification Sherloc (09022015). Collection method: clinical testing. Allele origin: germline.
Comment: This variant has not been reported in the literature in individuals with CTNNA1-related conditions. In summary, the available evidence is currently insufficient to determine the role of this variant in disease. Therefore, it has been classified as a Variant of Uncertain Significance. Algorithms developed to predict the effect of missense changes on protein structure and function are either unavailable or do not agree on the potential impact of this missense change (SIFT: "Deleterious"; PolyPhen-2: "Probably Damaging"; Align-GVGD: "Class C0"). This variant is not present in population databases (ExAC no frequency). This sequence change replaces methionine with isoleucine at codon 861 of the CTNNA1 protein (p.Met861Ile). The methionine residue is highly conserved and there is a small physicochemical difference between methionine and isoleucine.